The following is an entry in ClinVar:

NC_000022.11:g.40346422G>C

Gene: ADSL (adenylosuccinate lyase; plus strand). Cytogenetic location: 22q13.1.
Variant type: single nucleotide variant.
Genome position: GRCh38 VCF-style: chr22-40346422-G-C. GRCh37 (hg19) VCF-style: chr22-40742426-G-C.
Identifiers: ClinVar variation 1478268 (VCV001478268.6), dbSNP rs2146611167, ClinGen allele CA2573158356.

ClinVar aggregate classification (germline): Uncertain significance (1 of 4 stars; one submission).

Conditions:
Adenylosuccinate lyase deficiency (ADSLD). Also called: ADSL DEFICIENCY. Identifiers: Orphanet 46, MedGen C0268126, MONDO:0007068, OMIM 103050.

Submission:

Labcorp Genetics (formerly Invitae), Labcorp
Classification: Uncertain significance for Adenylosuccinate lyase deficiency. Last evaluated: 2021-07-27. Review status: criteria provided, single submitter. Criteria: Invitae Variant Classification Sherloc (09022015). Collection method: clinical testing. Allele origin: germline.
Comment: Experimental studies and prediction algorithms are not available or were not evaluated, and the functional significance of this variant is currently unknown. In summary, the available evidence is currently insufficient to determine the role of this variant in disease. Therefore, it has been classified as a Variant of Uncertain Significance. This variant has not been reported in the literature in individuals affected with ADSL-related conditions. The frequency data for this variant in the population databases is considered unreliable, as metrics indicate insufficient coverage at this position in the ExAC database. This variant occurs in a non-coding region of the ADSL gene. It does not change the encoded amino acid sequence of the ADSL protein.